The following is an entry in ClinVar:

ClinVar aggregate classification (germline): Likely pathogenic (1 of 4 stars; one submission).

Conditions:
Renal cysts and diabetes syndrome (RCAD). Also called: Familial hypoplastic, glomerulocystic kidney; MATURITY-ONSET DIABETES OF THE YOUNG, TYPE 5. Identifiers: Orphanet 93111, MedGen C0431693, MONDO:0007669, OMIM 137920.

gnomAD v4.1: 8 of 1,614,166 alleles (0.0005%); highest among the groups gnomAD compares: Non-Finnish European, 0.00068%; no homozygotes.

Submission:

Institute of Human Genetics, FAU Erlangen, Friedrich-Alexander-Universität Erlangen-Nürnberg
Classification: Likely pathogenic for Renal cysts and diabetes syndrome. Last evaluated: 2019-07-06. Review status: criteria provided, single submitter. Criteria: ACMG Guidelines, 2015. Collection method: literature only. Allele origin: germline. Affected: yes.
Comment: This variant and it's classification has been reported by Vasileiou et al. 2019; DOI:10.1101/576918. The variants has previously been reported in PMID:27297286 as "c.517G > C, p.Val173Leu Exon 2 missense" with clinical significance Pathogenic. It has been re-classified using InterVar and manual curation as Likely pathogenic based on PM1 PM2 PP3 PP5.

Literature cited by the submitters: PubMed 27297286; DOI 10.1101/576918.

NM_000458.4(HNF1B):c.517G>C (p.Val173Leu)

Gene: HNF1B (HNF1 homeobox B; minus strand). Cytogenetic location: 17q12.
Variant type: single nucleotide variant.
Coding change: c.517G>C on transcript NM_000458.4 (MANE Select); coding-DNA position 517, G replaced by C.
Protein change: p.Val173Leu; replaces valine 173 with leucine.
Molecular consequence: missense variant.
Genome position (GRCh38, 1-based): chr17:37,739,467, C>G on the plus strand (G>C on the coding strand, the complement: HNF1B is on the minus strand). VCF-style: chr17-37739467-C-G. GRCh37 (hg19) VCF-style: chr17-36099458-C-G.
Other names: c.517G>C, p.Val173Leu (NM_001165923.4, NM_001304286.2); short protein forms V173L.
Identifiers: ClinVar variation 635677 (VCV000635677.1), dbSNP rs925595786, ClinGen allele CA398751132.